The following is an entry in ClinVar:

NM_198578.4(LRRK2):c.1450G>T (p.Val484Phe)

Gene: LRRK2 (leucine rich repeat kinase 2; plus strand). Cytogenetic location: 12q12.
Variant type: single nucleotide variant.
Coding change: c.1450G>T on transcript NM_198578.4 (MANE Select); coding-DNA position 1450, G replaced by T.
Protein change: p.Val484Phe; replaces valine 484 with phenylalanine.
Molecular consequence: missense variant.
Genome position (GRCh38, 1-based): chr12:40,259,511, G>T. VCF-style: chr12-40259511-G-T. GRCh37 (hg19) VCF-style: chr12-40653313-G-T.
Other names: short protein forms V484F.
Identifiers: ClinVar variation 2856723 (VCV002856723.3), dbSNP rs764357084, ClinGen allele CA6513376.
Genomic context (GRCh38, chr12:40,259,511, plus strand): 5'-CAATAAGCATGCCAATTTTATATCCCCAGCAACACTTCCCTGGATATAATGGCAGCAGTG[G>T]TCCCCAAAATACTAACAGTTATGAAACGTCATGAGACATCATTACCAGTGCAGCTGGAGG-3'
Protein context (NP_940980.4, residues 474-494): NTSLDIMAAV[Val484Phe]PKILTVMKRH

ClinVar aggregate classification (germline): Uncertain significance (1 of 4 stars; one submission).

Conditions:
Autosomal dominant Parkinson disease 8. Also called: LRRK2-Related Parkinson Disease; Parkinson disease 8; Parkinson disease 8, susceptibility to. Identifiers: Orphanet 411602, MedGen C1846862, MONDO:0011764, OMIM 607060.

Allele frequency attached by ClinVar (database versions not stated): ExAC 0.00001; TOPMed 0.00001; gnomAD 0.00001; gnomAD exomes 0.00001.
gnomAD v4.1: 12 of 1,613,154 alleles (0.00074%); highest among the groups gnomAD compares: Admixed American, 0.0017%; no homozygotes.

Submission:

Labcorp Genetics (formerly Invitae), Labcorp
Classification: Uncertain significance for Autosomal dominant Parkinson disease 8. Last evaluated: 2025-05-22. Review status: criteria provided, single submitter. Criteria: Invitae Variant Classification Sherloc (09022015). Collection method: clinical testing. Allele origin: germline.
Comment: This sequence change replaces valine, which is neutral and non-polar, with phenylalanine, which is neutral and non-polar, at codon 484 of the LRRK2 protein (p.Val484Phe). This variant is present in population databases (rs764357084, gnomAD 0.003%). This variant has not been reported in the literature in individuals affected with LRRK2-related conditions. ClinVar contains an entry for this variant (Variation ID: 2856723). Invitae Evidence Modeling of protein sequence and biophysical properties (such as structural, functional, and spatial information, amino acid conservation, physicochemical variation, residue mobility, and thermodynamic stability) has been performed for this missense variant. However, the output from this modeling did not meet the statistical confidence thresholds required to predict the impact of this variant on LRRK2 protein function. In summary, the available evidence is currently insufficient to determine the role of this variant in disease. Therefore, it has been classified as a Variant of Uncertain Significance.